The following is an entry in ClinVar:

ClinVar aggregate classification (germline): Conflicting classifications of pathogenicity. Review status: criteria provided, conflicting classifications (1 of 4 stars). 8 submissions from 8 submitters: Uncertain significance (7); Benign (1). Last evaluated 2026-03-02.

Conditions:
Hereditary cancer-predisposing syndrome. Also called: Neoplastic Syndromes, Hereditary; Hereditary neoplastic syndrome; Tumor predisposition; Hereditary Cancer Syndrome. Identifiers: Orphanet 140162, MedGen C0027672, MeSH D009386, MONDO:0015356.
Ataxia-telangiectasia syndrome (AT). Also called: LOUIS-BAR SYNDROME; Cerebello-oculocutaneous telangiectasia; Immunodeficiency with ataxia telangiectasia; ATAXIA-TELANGIECTASIA, COMPLEMENTATION GROUP A; ATAXIA-TELANGIECTASIA, FRESNO VARIANT; Ataxia-telangiectasia. Identifiers: Orphanet 100, MedGen C0004135, MONDO:0008840, OMIM 208900.
Familial cancer of breast. Also called: Hereditary breast cancer; hereditary breast carcinoma; BREAST CANCER, FAMILIAL. Identifiers: Orphanet 227535, MedGen C0346153, MONDO:0016419, OMIM 114480. Disease mechanism: loss of function.

Allele frequency attached by ClinVar (database versions not stated): gnomAD exomes below 0.00001 and 0.00001; ExAC 0.00001; gnomAD 0.00001; TOPMed 0.00001.
gnomAD v4.1: 11 of 1,613,962 alleles (0.00068%); highest among the groups gnomAD compares: African/African-American, 0.0027%; no homozygotes.

Submissions (8):

Ambry Genetics
Classification: Benign for Hereditary cancer-predisposing syndrome. Last evaluated: 2026-03-02. Review status: criteria provided, single submitter. Criteria: Ambry Variant Classification Scheme 2023. Collection method: clinical testing. Allele origin: germline.

Labcorp Genetics (formerly Invitae), Labcorp
Classification: Uncertain significance for Ataxia-telangiectasia syndrome. Last evaluated: 2026-01-27. Review status: criteria provided, single submitter. Criteria: Invitae Variant Classification Sherloc (09022015). Collection method: clinical testing. Allele origin: germline.
Comment: This sequence change replaces arginine, which is basic and polar, with glutamine, which is neutral and polar, at codon 1882 of the ATM protein (p.Arg1882Gln). This variant is present in population databases (rs587782236, gnomAD 0.007%). This missense change has been observed in individual(s) with breast cancer (PMID: 25186627, 30287823, 35218119). ClinVar contains an entry for this variant (Variation ID: 142104). Invitae Evidence Modeling of protein sequence and biophysical properties (such as structural, functional, and spatial information, amino acid conservation, physicochemical variation, residue mobility, and thermodynamic stability) indicates that this missense variant is not expected to disrupt ATM protein function with a negative predictive value of 95%. In summary, the available evidence is currently insufficient to determine the role of this variant in disease. Therefore, it has been classified as a Variant of Uncertain Significance.

Center for Genomic Medicine, Rigshospitalet, Copenhagen University Hospital
Classification: Uncertain significance. Last evaluated: 2025-03-04. Review status: criteria provided, single submitter. Criteria: ACMG Guidelines, 2015. Collection method: clinical testing. Allele origin: germline.

Baylor Genetics
Classification: Uncertain significance for Familial cancer of breast. Last evaluated: 2023-08-31. Review status: criteria provided, single submitter. Criteria: ACMG Guidelines, 2015. Collection method: clinical testing. Allele origin: unknown.

GeneDx
Classification: Uncertain significance. Last evaluated: 2023-06-30. Review status: criteria provided, single submitter. Criteria: GeneDx Variant Classification Process June 2021. Collection method: clinical testing. Allele origin: germline. Affected: yes.
Comment: Not observed at significant frequency in large population cohorts (gnomAD); In silico analysis supports that this missense variant does not alter protein structure/function; Observed in individuals with breast cancer and in unaffected control(s) (Tung et al., 2015; Momozawa et al., 2018; Schubert et al., 2019; Dorling et al., 2021); This variant is associated with the following publications: (PMID: 33471991, 30426508, 25186627, 30287823)

Sema4
Classification: Uncertain significance for Hereditary cancer-predisposing syndrome. Last evaluated: 2022-01-23. Review status: criteria provided, single submitter. Criteria: Sema4 Curation Guidelines. Collection method: curation. Allele origin: germline.
Comment: The ATM c.5645G>A (p.R1882Q) variant has been reported in heterozygosity in at least 4 individuals with breast cancer (PMID: 25186627, 30426508, 30287823). It has been reported in a large case-control study of breast cancer in 2/60466 cases and 1/53461 controls (PMID: 33471991). It was observed in 1/16170 chromosomes in the African/African American subpopulation according to the Genome Aggregation Database (PMID: 32461654). This variant has been reported in ClinVar (Variation ID: 142104). Functional studies have not been performed, and in silico predictions of the variant's effect on protein function are inconclusive. The evidence is insufficient to meet ACMG/AMP criteria for classifying the variant as benign or pathogenic. Thus, the clinical significance of this variant is currently uncertain.

Color Diagnostics, LLC DBA Color Health
Classification: Uncertain significance for Hereditary cancer-predisposing syndrome. Last evaluated: 2021-06-02. Review status: criteria provided, single submitter. Criteria: ACMG Guidelines, 2015. Collection method: clinical testing. Allele origin: germline.
Comment: This missense variant replaces arginine with glutamine at codon 1882 of the ATM protein. Computational prediction suggests that this variant may not impact protein structure and function (internally defined REVEL score threshold <= 0.5, PMID: 27666373). To our knowledge, functional studies have not been reported for this variant. This variant has been reported in individuals affected with breast and/or ovarian cancer (PMID: 25186627, 30287823, 30426508). This variant has been identified in 1/250786 chromosomes in the general population by the Genome Aggregation Database (gnomAD). The available evidence is insufficient to determine the role of this variant in disease conclusively. Therefore, this variant is classified as a Variant of Uncertain Significance.

Women's Health and Genetics/Laboratory Corporation of America, LabCorp
Classification: Uncertain significance. Last evaluated: 2020-09-04. Review status: criteria provided, single submitter. Criteria: LabCorp Variant Classification Summary - May 2015. Collection method: clinical testing. Allele origin: germline.
Comment: Variant summary: ATM c.5645G>A (p.Arg1882Gln) results in a conservative amino acid change in the encoded protein sequence. Five of five in-silico tools predict a benign effect of the variant on protein function. The variant allele was found at a frequency of 4e-06 in 250786 control chromosomes. The available data on variant occurrences in the general population are insufficient to allow any conclusion about variant significance. c.5645G>A has been reported in the literature in individuals affected with Breast Cancer (Tung_2015, Momozawa_2018, Schubert_2019). These reports do not provide unequivocal conclusions about association of the variant with Breast Cancer. To our knowledge, no experimental evidence demonstrating an impact on protein function has been reported. Two clinical diagnostic laboratories have submitted clinical-significance assessments for this variant to ClinVar after 2014 without evidence for independent evaluation. Both laboratories classified the variant as uncertain significance. Based on the evidence outlined above, the variant was classified as uncertain significance.

Literature cited by the submitters: PubMed 30287823 (cited by 4 submitters); PubMed 30426508 (cited by 3 submitters); PubMed 25186627 (cited by 4 submitters); PubMed 35218119 (cited by Labcorp Genetics (formerly Invitae), Labcorp); PubMed 33471991 (cited by Sema4).

NM_000051.4(ATM):c.5645G>A (p.Arg1882Gln)

Gene: ATM (ATM serine/threonine kinase; plus strand). Cytogenetic location: 11q22.3.
Variant type: single nucleotide variant.
Coding change: c.5645G>A on transcript NM_000051.4 (MANE Select); coding-DNA position 5645, G replaced by A.
Protein change: p.Arg1882Gln; replaces arginine 1882 with glutamine.
Molecular consequence: missense variant.
Genome position (GRCh38, 1-based): chr11:108,304,823, G>A. VCF-style: chr11-108304823-G-A. GRCh37 (hg19) VCF-style: chr11-108175550-G-A.
Other names: c.5645G>A, p.Arg1882Gln (NM_001351834.2); short protein forms R1882Q.
Identifiers: ClinVar variation 142104 (VCV000142104.29), dbSNP rs587782236, ClinGen allele CA167411.